The following is an entry in ClinVar:

ClinVar aggregate classification (germline): Uncertain significance (1 of 4 stars; one submission).

Conditions:
GM1 gangliosidosis. Identifiers: Orphanet 354, MedGen C0085131, MONDO:0018149.
Mucopolysaccharidosis, MPS-IV-B (MPS4B). Also called: MORQUIO SYNDROME B; Mucopolysaccharidosis Type IVB (Morquio B Disease); Mucopolysaccharidosis type IV B; Mucopolysaccharidosis Type IVB; Mucopolysaccharidosis type 4B; Mucopolysaccharidosis type IVB (Morquio). Identifiers: Orphanet 309310, Orphanet 582, MedGen C0086652, MONDO:0009660, OMIM 253010.

Submission:

Labcorp Genetics (formerly Invitae), Labcorp
Classification: Uncertain significance for Mucopolysaccharidosis, MPS-IV-B; GM1 gangliosidosis. Last evaluated: 2023-11-27. Review status: criteria provided, single submitter. Criteria: Invitae Variant Classification Sherloc (09022015). Collection method: clinical testing. Allele origin: germline.
Comment: This sequence change replaces leucine, which is neutral and non-polar, with methionine, which is neutral and non-polar, at codon 619 of the GLB1 protein (p.Leu619Met). This variant is not present in population databases (gnomAD no frequency). This variant has not been reported in the literature in individuals affected with GLB1-related conditions. ClinVar contains an entry for this variant (Variation ID: 2097996). Advanced modeling of protein sequence and biophysical properties (such as structural, functional, and spatial information, amino acid conservation, physicochemical variation, residue mobility, and thermodynamic stability) performed at Invitae indicates that this missense variant is expected to disrupt GLB1 protein function with a positive predictive value of 95%. In summary, the available evidence is currently insufficient to determine the role of this variant in disease. Therefore, it has been classified as a Variant of Uncertain Significance.

NM_000404.4(GLB1):c.1855C>A (p.Leu619Met)

Gene: GLB1 (galactosidase beta 1; minus strand). Cytogenetic location: 3p22.3.
Variant type: single nucleotide variant.
Coding change: c.1855C>A on transcript NM_000404.4 (MANE Select); coding-DNA position 1855, C replaced by A.
Protein change: p.Leu619Met; replaces leucine 619 with methionine.
Molecular consequence: missense variant. On other transcripts: intron variant (1).
Genome position (GRCh38, 1-based): chr3:32,997,224, G>T on the plus strand (C>A on the coding strand, the complement: GLB1 is on the minus strand). VCF-style: chr3-32997224-G-T. GRCh37 (hg19) VCF-style: chr3-33038716-G-T.
Other names: c.1765C>A, p.Leu589Met (NM_001079811.3); c.1462C>A, p.Leu488Met (NM_001135602.3); c.1999C>A, p.Leu667Met (NM_001317040.2); c.1734+16832C>A (NM_001393580.1); short protein forms L619M, L488M, L667M, L589M.
Identifiers: ClinVar variation 2097996 (VCV002097996.4), dbSNP rs2471198938, ClinGen allele CA352000542.
Genomic context (GRCh38, chr3:32,997,224, plus strand): 5'-CGAACGTCACAGCACATAGTTCTGGATCATCACTGCTGCAGGGTGCCCACTCCAGTTCCA[G>T]CACGGTGATGGTGTTTGGGGCCGAGGTCATCAGGATGTGCTGGGGCACAAACAAGGTCAA-3'
Protein context (NP_000395.3, residues 609-629): MTSAPNTITV[Leu619Met]ELEWAPCSSD